The following is an entry in ClinVar:

ClinVar aggregate classification (germline): Benign (1 of 4 stars; one submission).

Conditions:
Familial visceral amyloidosis, Ostertag type (AMYLD2). Also called: AMYLOIDOSIS VIII; Ostertag type amyloidosis; Familial visceral amyloidosis; Hereditary Renal Amyloidosis; Amyloidosis, hepatic and systemic; AMYLOIDOSIS, HEREDITARY SYSTEMIC 2. Identifiers: Orphanet 85450, MedGen C0268389, MONDO:0007099, OMIM 105200.

Allele frequency attached by ClinVar (database versions not stated): gnomAD 0.00159; gnomAD exomes 0.00190; TOPMed 0.00226; 1000 Genomes Project 0.01038; 1000 Genomes Project 30x 0.01093.

Submission:

Illumina Laboratory Services, Illumina
Classification: Benign for Familial visceral amyloidosis, Ostertag type. Last evaluated: 2018-01-13. Review status: criteria provided, single submitter. Criteria: ICSL Variant Classification Criteria 13 December 2019. Collection method: clinical testing. Allele origin: germline.
Comment: This variant was observed in the ICSL laboratory as part of a predisposition screen in an ostensibly healthy population. It had not been previously curated by ICSL or reported in the Human Gene Mutation Database (HGMD: prior to June 1st, 2018), and was therefore a candidate for classification through an automated scoring system. Utilizing variant allele frequency, disease prevalence and penetrance estimates, and inheritance mode, an automated score was calculated to assess if this variant is too frequent to cause the disease. Based on the score and internal cut-off values, a variant classified as benign is not then subjected to further curation. The score for this variant resulted in a classification of benign for this disease.

NM_000239.3(LYZ):c.*415G>A

Gene: LYZ (lysozyme; plus strand). Cytogenetic location: 12q15.
Variant type: single nucleotide variant.
Coding change: c.*415G>A on transcript NM_000239.3 (MANE Select); 415 bases downstream of the stop codon, G replaced by A.
Molecular consequence: 3 prime UTR variant.
Genome position (GRCh38, 1-based): chr12:69,353,634, G>A. VCF-style: chr12-69353634-G-A. GRCh37 (hg19) VCF-style: chr12-69747414-G-A.
Identifiers: ClinVar variation 310343 (VCV000310343.5), dbSNP rs183441118, ClinGen allele CA10643271.
Genomic context (GRCh38, chr12:69,353,634, plus strand): 5'-CACCTCCCGGGTTCACGCCATTCTCCTGCCTCAGCCTCCCGAGTAGCTGGGATTACGGGC[G>A]CCCGCCACCACGCCCGGCTAATTTTTTGTATTTTTAGTAGAGACAGGGTTTCACCGTGTT-3'